The following is an entry in ClinVar:

ClinVar aggregate classification (germline): Uncertain significance (1 of 4 stars; one submission).

Conditions:
Menkes kinky-hair syndrome (MNK). Also called: Classic Menkes Disease; Copper transport disease; Menkes Disease. Identifiers: Orphanet 565, MedGen C0022716, MONDO:0010651, OMIM 309400.
Cutis laxa, X-linked (OHS). Also called: EDS IX; Occipital horn syndrome. Identifiers: Orphanet 198, MedGen C0268353, MONDO:0010572, OMIM 304150.
X-linked distal spinal muscular atrophy type 3. Also called: ATP7A-Related Distal Motor Neuropathy; SPINAL MUSCULAR ATROPHY, DISTAL, X-LINKED RECESSIVE; NEURONOPATHY, DISTAL HEREDITARY MOTOR, X-LINKED; NEUROPATHY, DISTAL HEREDITARY MOTOR, X-LINKED. Identifiers: Orphanet 139557, MedGen C1845359, MONDO:0010338, OMIM 300489.

Submission:

Labcorp Genetics (formerly Invitae), Labcorp
Classification: Uncertain significance for X-linked distal spinal muscular atrophy type 3; Cutis laxa, X-linked; Menkes kinky-hair syndrome. Last evaluated: 2023-07-25. Review status: criteria provided, single submitter. Criteria: Invitae Variant Classification Sherloc (09022015). Collection method: clinical testing. Allele origin: germline.
Comment: This variant is not present in population databases (gnomAD no frequency). In summary, the available evidence is currently insufficient to determine the role of this variant in disease. Therefore, it has been classified as a Variant of Uncertain Significance. Variants that disrupt the consensus splice site are a relatively common cause of aberrant splicing (PMID: 17576681, 9536098). Algorithms developed to predict the effect of sequence changes on RNA splicing suggest that this variant may disrupt the consensus splice site. This variant has not been reported in the literature in individuals affected with ATP7A-related conditions. This sequence change falls in intron 22 of the ATP7A gene. It does not directly change the encoded amino acid sequence of the ATP7A protein. It affects a nucleotide within the consensus splice site.

Literature cited by the submitters: PubMed 17576681; PubMed 9536098.

NM_000052.7(ATP7A):c.4226+6T>G

Gene: ATP7A (ATPase copper transporting alpha; plus strand). Cytogenetic location: Xq21.1.
Variant type: single nucleotide variant.
Coding change: c.4226+6T>G on transcript NM_000052.7 (MANE Select); 6 bases into the intron after coding-DNA position 4226, T replaced by G.
Molecular consequence: intron variant.
Genome position (GRCh38, 1-based): chrX:78,045,578, T>G. VCF-style: chrX-78045578-T-G. GRCh37 (hg19) VCF-style: chrX-77301075-T-G.
Other names: c.3992+6T>G (NM_001282224.2).
Identifiers: ClinVar variation 2949954 (VCV002949954.3), dbSNP rs2522425746, ClinGen allele CA2740092199.
Genomic context (GRCh38, chrX:78,045,578, plus strand): 5'-CAGCAATGGCTGCTTCATCTGTTTCTGTAGTACTTTCTTCTCTCTTCCTTAAACTGTAAG[T>G]ATGATAGCTTGCTCACATTTGTATTTTGTATTCCTGTTATCATCTAGTCATTCTTGGTAG-3'